The following is an entry in ClinVar:

NM_013314.4(BLNK):c.284G>A (p.Ser95Asn)

Gene: BLNK (B cell linker; minus strand). Cytogenetic location: 10q24.1.
Variant type: single nucleotide variant.
Coding change: c.284G>A on transcript NM_013314.4 (MANE Select); coding-DNA position 284, G replaced by A.
Protein change: p.Ser95Asn; replaces serine 95 with asparagine.
Molecular consequence: missense variant. On other transcripts: non-coding transcript variant (4).
Genome position (GRCh38, 1-based): chr10:96,227,487, C>T on the plus strand (G>A on the coding strand, the complement: BLNK is on the minus strand). VCF-style: chr10-96227487-C-T. GRCh37 (hg19) VCF-style: chr10-97987243-C-T.
Other names: c.284G>A, p.Ser95Asn (NM_001114094.2, NM_001258440.2, NM_001258441.2 and 1 more transcripts); short protein forms S95N.
Identifiers: ClinVar variation 1011373 (VCV001011373.8), dbSNP rs1842318615, ClinGen allele CA377725543.

ClinVar aggregate classification (germline): Uncertain significance (1 of 4 stars; one submission).

Conditions:
Agammaglobulinemia 4, autosomal recessive (AGM4). Also called: AGAMMAGLOBULINEMIA, AUTOSOMAL RECESSIVE, DUE TO BLNK DEFECT; B cell linker protein deficiency. Identifiers: MedGen C3150752, MONDO:0013289, OMIM 613502.

Allele frequency attached by ClinVar (database versions not stated): gnomAD exomes below 0.00001.
gnomAD v4.1: 1 of 1,614,236 alleles (0.000062%); highest among the groups gnomAD compares: Non-Finnish European, 0.000085%; no homozygotes.

Submission:

Labcorp Genetics (formerly Invitae), Labcorp
Classification: Uncertain significance for Agammaglobulinemia 4, autosomal recessive. Last evaluated: 2023-10-03. Review status: criteria provided, single submitter. Criteria: Invitae Variant Classification Sherloc (09022015). Collection method: clinical testing. Allele origin: germline.
Comment: This sequence change replaces serine, which is neutral and polar, with asparagine, which is neutral and polar, at codon 95 of the BLNK protein (p.Ser95Asn). This variant is not present in population databases (gnomAD no frequency). This variant has not been reported in the literature in individuals affected with BLNK-related conditions. ClinVar contains an entry for this variant (Variation ID: 1011373). Advanced modeling of protein sequence and biophysical properties (such as structural, functional, and spatial information, amino acid conservation, physicochemical variation, residue mobility, and thermodynamic stability) performed at Invitae indicates that this missense variant is not expected to disrupt BLNK protein function. In summary, the available evidence is currently insufficient to determine the role of this variant in disease. Therefore, it has been classified as a Variant of Uncertain Significance.